The following is an entry in ClinVar:

NM_001039348.3(EFEMP1):c.983G>T (p.Arg328Ile)

Gene: EFEMP1 (EGF-like fibulin extracellular matrix protein 1; minus strand). Cytogenetic location: 2p16.1.
Variant type: single nucleotide variant.
Coding change: c.983G>T on transcript NM_001039348.3 (MANE Select); coding-DNA position 983, G replaced by T.
Protein change: p.Arg328Ile; replaces arginine 328 with isoleucine.
Molecular consequence: missense variant.
Genome position (GRCh38, 1-based): chr2:55,874,963, C>A on the plus strand (G>T on the coding strand, the complement: EFEMP1 is on the minus strand). VCF-style: chr2-55874963-C-A. GRCh37 (hg19) VCF-style: chr2-56102098-C-A.
Other names: c.983G>T, p.Arg328Ile (NM_001039349.3); short protein forms R328I.
Identifiers: ClinVar variation 961249 (VCV000961249.9), dbSNP rs747258798, ClinGen allele CA1668783.

ClinVar aggregate classification (germline): Uncertain significance (1 of 4 stars; one submission).

Allele frequency attached by ClinVar (database versions not stated): gnomAD 0.00001; gnomAD exomes 0.00001; ExAC 0.00002.
gnomAD v4.1: 13 of 1,605,236 alleles (0.00081%); highest among the groups gnomAD compares: African/African-American, 0.0013%; no homozygotes.

Submission:

Labcorp Genetics (formerly Invitae), Labcorp
Classification: Uncertain significance. Last evaluated: 2023-08-17. Review status: criteria provided, single submitter. Criteria: Invitae Variant Classification Sherloc (09022015). Collection method: clinical testing. Allele origin: germline.
Comment: This sequence change replaces arginine, which is basic and polar, with isoleucine, which is neutral and non-polar, at codon 328 of the EFEMP1 protein (p.Arg328Ile). This variant is present in population databases (rs747258798, gnomAD 0.003%). In summary, the available evidence is currently insufficient to determine the role of this variant in disease. Therefore, it has been classified as a Variant of Uncertain Significance. Advanced modeling of protein sequence and biophysical properties (such as structural, functional, and spatial information, amino acid conservation, physicochemical variation, residue mobility, and thermodynamic stability) performed at Invitae indicates that this missense variant is not expected to disrupt EFEMP1 protein function. ClinVar contains an entry for this variant (Variation ID: 961249). This variant has not been reported in the literature in individuals affected with EFEMP1-related conditions.